The following is an entry in ClinVar:

NM_006231.4(POLE):c.5719_5722del (p.Phe1907fs)

Gene: POLE (DNA polymerase epsilon, catalytic subunit; minus strand). Cytogenetic location: 12q24.33.
Variant type: Microsatellite.
Coding change: c.5719_5722del on transcript NM_006231.4 (MANE Select); coding-DNA positions 5719 to 5722, 4 bases deleted (TTCT; older notation c.5719_5722delTTCT).
Protein change: p.Phe1907fs; shifts the reading frame from phenylalanine 1907.
Molecular consequence: frameshift variant.
Genome position (GRCh38, 1-based): chr12:132,635,981-132,635,984, AGAA deleted on the plus strand (TTCT on the coding strand, the reverse complement: POLE is on the minus strand); deleting any 4 consecutive bases within chr12:132,635,981-132,635,989 gives the same sequence; the c. name uses the placement nearest the transcript's 3' end. VCF-style (leftmost placement, unchanged base first): chr12-132635980-GAGAA-G. GRCh37 (hg19) VCF-style: chr12-133212566-GAGAA-G.
Other names: short protein forms F1907fs.
Identifiers: ClinVar variation 1435296 (VCV001435296.8), dbSNP rs2042024442, ClinGen allele CA2072982492.

ClinVar aggregate classification (germline): Pathogenic (1 of 4 stars; one submission).

Submission:

Labcorp Genetics (formerly Invitae), Labcorp
Classification: Pathogenic. Last evaluated: 2024-04-05. Review status: criteria provided, single submitter. Criteria: Invitae Variant Classification Sherloc (09022015). Collection method: clinical testing. Allele origin: germline.
Comment: This sequence change creates a premature translational stop signal (p.Phe1907Leufs*91) in the POLE gene. It is expected to result in an absent or disrupted protein product. Loss-of-function variants in POLE are known to be pathogenic (PMID: 23230001, 25948378, 30503519). This variant is not present in population databases (gnomAD no frequency). This variant has not been reported in the literature in individuals affected with POLE-related conditions. For these reasons, this variant has been classified as Pathogenic.

Literature cited by the submitters: PubMed 23230001; PubMed 25948378; PubMed 30503519.